The following is an entry in ClinVar:

ClinVar aggregate classification (germline): Likely benign. Review status: criteria provided, single submitter (1 of 4 stars). 2 submissions from 2 submitters: Likely benign (1). 1 of the submissions does not count toward it. Last evaluated 2025-01-13.

Conditions:
CEP250-related disorder. Also called: CEP250-related condition.

Allele frequency attached by ClinVar (database versions not stated): TOPMed 0.00001.
gnomAD v4.1: 5 of 1,614,148 alleles (0.00031%); highest among the groups gnomAD compares: Admixed American, 0.0067%; no homozygotes.

Submissions (2):

Labcorp Genetics (formerly Invitae), Labcorp
Classification: Likely benign. Last evaluated: 2025-01-13. Review status: criteria provided, single submitter. Criteria: Invitae Variant Classification Sherloc (09022015). Collection method: clinical testing. Allele origin: germline.

PreventionGenetics, part of Exact Sciences
Classification: Likely benign for CEP250-related condition. Last evaluated: 2020-09-02. Review status: no assertion criteria provided. Collection method: clinical testing. Allele origin: germline. Not counted in ClinVar's aggregate classification.
Comment: This variant is classified as likely benign based on ACMG/AMP sequence variant interpretation guidelines (Richards et al. 2015 PMID: 25741868, with internal and published modifications).

NM_007186.6(CEP250):c.6189G>A (p.Lys2063=)

Gene: CEP250 (centrosomal protein 250; plus strand). Cytogenetic location: 20q11.22.
Variant type: single nucleotide variant.
Coding change: c.6189G>A on transcript NM_007186.6 (MANE Select); coding-DNA position 6189, G replaced by A.
Protein change: p.Lys2063=; no amino-acid change (lysine 2063 retained).
Molecular consequence: synonymous variant.
Genome position (GRCh38, 1-based): chr20:35,504,558, G>A. VCF-style: chr20-35504558-G-A. GRCh37 (hg19) VCF-style: chr20-34092386-G-A.
Other names: c.4293G>A, p.Lys1431= (NM_001318219.1); c.6189G>A (NM_007186.5).
Identifiers: ClinVar variation 1649767 (VCV001649767.10), dbSNP rs760033053, ClinGen allele CA9834020.